The following is an entry in ClinVar:

ClinVar aggregate classification (germline): Uncertain significance (1 of 4 stars; one submission).

Conditions:
Rhabdoid tumor predisposition syndrome 2 (RTPS2). Identifiers: Orphanet 231108, Orphanet 69077, MedGen C2750074, MONDO:0013224, OMIM 613325.

Submission:

Labcorp Genetics (formerly Invitae), Labcorp
Classification: Uncertain significance for Rhabdoid tumor predisposition syndrome 2. Last evaluated: 2021-01-05. Review status: criteria provided, single submitter. Criteria: Invitae Variant Classification Sherloc (09022015). Collection method: clinical testing. Allele origin: germline.
Comment: This variant has not been reported in the literature in individuals with SMARCA4-related conditions. This variant is not present in population databases (ExAC no frequency). This sequence change replaces aspartic acid with glycine at codon 1601 of the SMARCA4 protein (p.Asp1601Gly). The aspartic acid residue is moderately conserved and there is a moderate physicochemical difference between aspartic acid and glycine. Algorithms developed to predict the effect of missense changes on protein structure and function are either unavailable or do not agree on the potential impact of this missense change (SIFT: "Deleterious"; PolyPhen-2: "Benign"; Align-GVGD: "Class C0"). In summary, the available evidence is currently insufficient to determine the role of this variant in disease. Therefore, it has been classified as a Variant of Uncertain Significance.

NM_003072.5(SMARCA4):c.4706A>G (p.Asp1569Gly)

Gene: SMARCA4 (SWI/SNF related BAF chromatin remodeling complex subunit ATPase 4; plus strand). Cytogenetic location: 19p13.2.
Variant type: single nucleotide variant.
Coding change: c.4706A>G on transcript NM_003072.5 (MANE Select); coding-DNA position 4706, A replaced by G.
Protein change: p.Asp1569Gly; replaces aspartic acid 1569 with glycine.
Molecular consequence: missense variant. On other transcripts: non-coding transcript variant (1).
Genome position (GRCh38, 1-based): chr19:11,059,823, A>G. VCF-style: chr19-11059823-A-G. GRCh37 (hg19) VCF-style: chr19-11170499-A-G.
Other names: c.4706A>G, p.Asp1569Gly (NM_001128844.3); c.4616A>G, p.Asp1539Gly (NM_001128845.2); c.4613A>G, p.Asp1538Gly (NM_001128846.2); c.4607A>G, p.Asp1536Gly (NM_001128847.4, NM_001374457.1); c.4604A>G, p.Asp1535Gly (NM_001128848.2); c.4802A>G, p.Asp1601Gly (NM_001128849.3, NM_001387283.1); short protein forms D1535G, D1538G, D1569G, D1536G, D1539G, D1601G.
Identifiers: ClinVar variation 1361762 (VCV001361762.8), dbSNP rs2147114941, ClinGen allele CA404079477.